The following is an entry in ClinVar:

NM_033305.3(VPS13A):c.5659dup (p.Thr1887fs)

Gene: VPS13A (vacuolar protein sorting 13 homolog A; plus strand). Cytogenetic location: 9q21.2.
Variant type: Duplication.
Coding change: c.5659dup on transcript NM_033305.3 (MANE Select); coding-DNA position 5659, one base duplicated (A; older notation c.5659dupA).
Protein change: p.Thr1887fs; shifts the reading frame from threonine 1887.
Molecular consequence: frameshift variant.
Genome position (GRCh38, 1-based): chr9:77,321,575, A duplicated. VCF-style (leftmost placement, unchanged base first): chr9-77321574-T-TA. GRCh37 (hg19) VCF-style: chr9-79936490-T-TA.
Other names: c.5542dup, p.Thr1848fs (NM_001018037.2); c.5659dup, p.Thr1887fs (NM_001018038.3, NM_015186.4); short protein forms T1848fs, T1887fs.
Identifiers: ClinVar variation 4816408 (VCV004816408.1).

ClinVar aggregate classification (germline): Likely pathogenic (1 of 4 stars; one submission).

Conditions:
VPS13A-related neurodegenerative disease. Also called: LEVINE-CRITCHLEY SYNDROME; Choreoacanthocytosis; Chorea-acanthocytosis; ACANTHOCYTOSIS WITH NEUROLOGIC DISORDER; VPS13A Disease; Choreaacanthocytosis. Identifiers: Orphanet 2388, MedGen C0393576, MONDO:0008695, OMIM 200150.

Submission:

Natera, Inc.
Classification: Likely pathogenic for Choreaacanthocytosis. Last evaluated: 2025-01-17. Review status: criteria provided, single submitter. Criteria: Natera Variant Classification Schema (03/2026). Collection method: clinical testing. Allele origin: germline.
Comment: The c.5659dupA variant in VPS13A is a frameshift variant predicted to shift the reading frame beginning at codon 1887 and leads to a stop codon 8 codons downstream. This variant is expected to result in nonsense mediated decay, truncation, or a dysfunctional protein product. This variant is rare in the general population with a frequency below the threshold expected for the associated phenotype(s). Given the available evidence, this variant is classified as Likely Pathogenic.